The following is an entry in ClinVar:

ClinVar aggregate classification (germline): Uncertain significance (1 of 4 stars; one submission).

Conditions:
Amelocerebrohypohidrotic syndrome (KTZS). Also called: EPILEPSY AND YELLOW TEETH; EPILEPSY, DEMENTIA, AND AMELOGENESIS IMPERFECTA; Kohlschutter's syndrome; KOHLSCHUTTER SYNDROME. Identifiers: Orphanet 1946, MedGen C0406740, MONDO:0009185, OMIM 226750.

Allele frequency attached by ClinVar (database versions not stated): TOPMed below 0.00001; ExAC 0.00001; gnomAD 0.00001; gnomAD exomes 0.00001.

Submission:

Labcorp Genetics (formerly Invitae), Labcorp
Classification: Uncertain significance for Amelocerebrohypohidrotic syndrome. Last evaluated: 2021-08-20. Review status: criteria provided, single submitter. Criteria: Invitae Variant Classification Sherloc (09022015). Collection method: clinical testing. Allele origin: germline.
Comment: This sequence change replaces glycine with arginine at codon 221 of the ROGDI protein (p.Gly221Arg). The glycine residue is highly conserved and there is a moderate physicochemical difference between glycine and arginine. This variant is present in population databases (rs757872277, ExAC 0.009%). This variant has not been reported in the literature in individuals affected with ROGDI-related conditions. Algorithms developed to predict the effect of missense changes on protein structure and function (SIFT, PolyPhen-2, Align-GVGD) all suggest that this variant is likely to be disruptive. In summary, the available evidence is currently insufficient to determine the role of this variant in disease. Therefore, it has been classified as a Variant of Uncertain Significance.

NM_024589.3(ROGDI):c.661G>C (p.Gly221Arg)

Gene: ROGDI (rogdi atypical leucine zipper; minus strand). Cytogenetic location: 16p13.3.
Variant type: single nucleotide variant.
Coding change: c.661G>C on transcript NM_024589.3 (MANE Select); coding-DNA position 661, G replaced by C.
Protein change: p.Gly221Arg; replaces glycine 221 with arginine.
Molecular consequence: missense variant. On other transcripts: non-coding transcript variant (1).
Genome position (GRCh38, 1-based): chr16:4,797,972, C>G on the plus strand (G>C on the coding strand, the complement: ROGDI is on the minus strand). VCF-style: chr16-4797972-C-G. GRCh37 (hg19) VCF-style: chr16-4847973-C-G.
Other names: short protein forms G221R.
Identifiers: ClinVar variation 659400 (VCV000659400.6), dbSNP rs757872277, ClinGen allele CA7882562.